The following is an entry in ClinVar:

NM_001972.4(ELANE):c.753C>G (p.Asp251Glu)

Gene: ELANE (elastase, neutrophil expressed; plus strand). Cytogenetic location: 19p13.3.
Variant type: single nucleotide variant.
Coding change: c.753C>G on transcript NM_001972.4 (MANE Select); coding-DNA position 753, C replaced by G.
Protein change: p.Asp251Glu; replaces aspartic acid 251 with glutamic acid.
Molecular consequence: missense variant.
Genome position (GRCh38, 1-based): chr19:856,113, C>G. VCF-style: chr19-856113-C-G. GRCh37 (hg19) VCF-style: chr19-856113-C-G.
Other names: short protein forms D251E.
Identifiers: ClinVar variation 3844292 (VCV003844292.1).

ClinVar aggregate classification (germline): Uncertain significance (1 of 4 stars; one submission).

Conditions:
Inborn genetic diseases. Identifiers: MedGen C0950123, MeSH D030342.

gnomAD v4.1: 18 of 1,613,004 alleles (0.0011%); highest among the groups gnomAD compares: Non-Finnish European, 0.0014%; no homozygotes.

Submission:

Ambry Genetics
Classification: Uncertain significance for Inborn genetic diseases. Last evaluated: 2025-01-08. Review status: criteria provided, single submitter. Criteria: Ambry Variant Classification Scheme 2023. Collection method: clinical testing. Allele origin: germline.
Comment: The p.D251E variant (also known as c.753C>G), located in coding exon 5 of the ELANE gene, results from a C to G substitution at nucleotide position 753. The aspartic acid at codon 251 is replaced by glutamic acid, an amino acid with highly similar properties. This amino acid position is conserved. In addition, this alteration is predicted to be tolerated by in silico analysis. Based on the available evidence, the clinical significance of this variant remains unclear.